The following is an entry in ClinVar:

ClinVar aggregate classification (germline): Uncertain significance (1 of 4 stars; one submission).

Conditions:
Hereditary sensory and autonomic neuropathy with spastic paraplegia (HSNSP). Identifiers: Orphanet 139578, MedGen C1850395, MONDO:0009748, OMIM 256840.

Submission:

Labcorp Genetics (formerly Invitae), Labcorp
Classification: Uncertain significance for Hereditary sensory and autonomic neuropathy with spastic paraplegia. Last evaluated: 2022-03-16. Review status: criteria provided, single submitter. Criteria: Invitae Variant Classification Sherloc (09022015). Collection method: clinical testing. Allele origin: germline.
Comment: This sequence change falls in intron 10 of the CCT5 gene. It does not directly change the encoded amino acid sequence of the CCT5 protein. It affects a nucleotide within the consensus splice site. This variant is not present in population databases (gnomAD no frequency). This variant has not been reported in the literature in individuals affected with CCT5-related conditions. Variants that disrupt the consensus splice site are a relatively common cause of aberrant splicing (PMID: 17576681, 9536098). Algorithms developed to predict the effect of sequence changes on RNA splicing suggest that this variant is not likely to affect RNA splicing. In summary, the available evidence is currently insufficient to determine the role of this variant in disease. Therefore, it has been classified as a Variant of Uncertain Significance.

Literature cited by the submitters: PubMed 17576681; PubMed 9536098.

NM_012073.5(CCT5):c.1498+3G>A

Gene: CCT5 (chaperonin containing TCP1 subunit 5; plus strand). Cytogenetic location: 5p15.2.
Variant type: single nucleotide variant.
Coding change: c.1498+3G>A on transcript NM_012073.5 (MANE Select); 3 bases into the intron after coding-DNA position 1498, G replaced by A.
Molecular consequence: intron variant.
Genome position (GRCh38, 1-based): chr5:10,263,317, G>A. VCF-style: chr5-10263317-G-A. GRCh37 (hg19) VCF-style: chr5-10263429-G-A.
Other names: c.1435+3G>A (NM_001306153.1); c.1333+3G>A (NM_001306154.2); c.1384+3G>A (NM_001306156.2); c.1219+3G>A (NM_001306155.2).
Identifiers: ClinVar variation 2415670 (VCV002415670.5), dbSNP rs2477474346, ClinGen allele CA2580071969.